The following is an entry in ClinVar:

ClinVar aggregate classification (germline): Uncertain significance (1 of 4 stars; one submission).

Allele frequency attached by ClinVar (database versions not stated): ExAC 0.00002.
gnomAD v4.1: 14 of 1,602,144 alleles (0.00087%); highest among the groups gnomAD compares: South Asian, 0.0034%; no homozygotes.

Submission:

Labcorp Genetics (formerly Invitae), Labcorp
Classification: Uncertain significance. Last evaluated: 2022-11-29. Review status: criteria provided, single submitter. Criteria: Invitae Variant Classification Sherloc (09022015). Collection method: clinical testing. Allele origin: germline.
Comment: In summary, the available evidence is currently insufficient to determine the role of this variant in disease. Therefore, it has been classified as a Variant of Uncertain Significance. Variants that disrupt the consensus splice site are a relatively common cause of aberrant splicing (PMID: 17576681, 9536098). Algorithms developed to predict the effect of sequence changes on RNA splicing suggest that this variant may disrupt the consensus splice site. Algorithms developed to predict the effect of missense changes on protein structure and function (SIFT, PolyPhen-2, Align-GVGD) all suggest that this variant is likely to be tolerated. This variant has not been reported in the literature in individuals affected with IARS-related conditions. This variant is present in population databases (rs781397669, gnomAD 0.007%). This sequence change replaces arginine, which is basic and polar, with glutamine, which is neutral and polar, at codon 810 of the IARS protein (p.Arg810Gln). This variant also falls at the last nucleotide of exon 23, which is part of the consensus splice site for this exon.

Literature cited by the submitters: PubMed 17576681; PubMed 9536098.

NM_002161.6(IARS1):c.2429G>A (p.Arg810Gln)

Gene: IARS1 (isoleucyl-tRNA synthetase 1; minus strand). Cytogenetic location: 9q22.31.
Variant type: single nucleotide variant.
Coding change: c.2429G>A on transcript NM_002161.6 (MANE Select); coding-DNA position 2429, G replaced by A.
Protein change: p.Arg810Gln; replaces arginine 810 with glutamine.
Molecular consequence: missense variant. On other transcripts: non-coding transcript variant (1).
Genome position (GRCh38, 1-based): chr9:92,250,713, C>T on the plus strand (G>A on the coding strand, the complement: IARS1 is on the minus strand). VCF-style: chr9-92250713-C-T. GRCh37 (hg19) VCF-style: chr9-95012995-C-T.
Other names: c.2354G>A, p.Arg785Gln (NM_001374299.1, NM_001374300.1, NM_001378584.1); c.2345G>A, p.Arg782Gln (NM_001374301.1); c.2492G>A, p.Arg831Gln (NM_001378569.1); c.2450G>A, p.Arg817Gln (NM_001378571.1); c.2429G>A, p.Arg810Gln (NM_001378572.1, NM_001378573.1, NM_001378574.1 and 9 more transcripts); c.2333G>A, p.Arg778Gln (NM_001378582.1); c.2306G>A, p.Arg769Gln (NM_001378583.1); short protein forms R778Q, R782Q, R817Q, R810Q, R831Q, R769Q, R785Q.
Identifiers: ClinVar variation 1920954 (VCV001920954.5), dbSNP rs781397669, ClinGen allele CA5122221.